The following is an entry in ClinVar:

NM_001048205.2(REC8):c.1057A>C (p.Thr353Pro)

Gene: REC8 (REC8 meiotic cohesin complex component; plus strand). Cytogenetic location: 14q12.
Variant type: single nucleotide variant.
Coding change: c.1057A>C on transcript NM_001048205.2 (MANE Select); coding-DNA position 1057, A replaced by C.
Protein change: p.Thr353Pro; replaces threonine 353 with proline.
Molecular consequence: missense variant.
Genome position (GRCh38, 1-based): chr14:24,178,666, A>C. VCF-style: chr14-24178666-A-C. GRCh37 (hg19) VCF-style: chr14-24647872-A-C.
Other names: c.1057A>C, p.Thr353Pro (NM_005132.3); short protein forms T353P.
Identifiers: ClinVar variation 929773 (VCV000929773.2), dbSNP rs370763234, ClinGen allele CA389238294.

ClinVar aggregate classification (germline): Uncertain significance (1 of 4 stars; one submission).

Conditions:
Premature ovarian insufficiency (POF). Also called: Premature ovarian failure. Identifiers: MedGen C4303540, HP:0008209.

gnomAD v4.1: 2 of 1,613,930 alleles (0.00012%); highest among the groups gnomAD compares: Non-Finnish European, 0.00017%; no homozygotes.

Submission:

Medical Cytogenetics and Molecular Genetics Laboratory, IRCCS Istituto Auxologico Italiano
Classification: Uncertain significance for Premature ovarian failure. Last evaluated: 2020-03-02. Review status: criteria provided, single submitter. Criteria: ACMG Guidelines, 2015. Collection method: research. Allele origin: germline. Affected: yes. Observed: 1 variant allele.
Comment: Some tools report a cds position mismatch.